The following is an entry in ClinVar:

NM_001134363.3(RBM20):c.131C>A (p.Pro44Gln)

Gene: RBM20 (RNA binding motif protein 20; plus strand). Cytogenetic location: 10q25.2.
Variant type: single nucleotide variant.
Coding change: c.131C>A on transcript NM_001134363.3 (MANE Select); coding-DNA position 131, C replaced by A.
Protein change: p.Pro44Gln; replaces proline 44 with glutamine.
Molecular consequence: missense variant.
Genome position (GRCh38, 1-based): chr10:110,644,585, C>A. VCF-style: chr10-110644585-C-A. GRCh37 (hg19) VCF-style: chr10-112404343-C-A.
Other names: short protein forms P44Q.
Identifiers: ClinVar variation 165021 (VCV000165021.23), dbSNP rs563500712, ClinGen allele CA177690.

ClinVar aggregate classification (germline): Likely benign. Review status: criteria provided, multiple submitters, no conflicts (2 of 4 stars). 6 submissions from 6 submitters: Likely benign (4). 2 of the submissions do not count toward it. Last evaluated 2026-01-19.

Conditions:
Cardiovascular phenotype. Identifiers: MedGen CN230736.
Dilated cardiomyopathy 1DD (CMD1DD). Identifiers: Orphanet 154, MedGen C2750995, MONDO:0013168, OMIM 613172.

Allele frequency attached by ClinVar (database versions not stated): gnomAD 0.00001 and 0.00011; TOPMed 0.00003; gnomAD exomes 0.00022 and 0.00055; 1000 Genomes Project 30x 0.00047; 1000 Genomes Project 0.00160; ExAC 0.00221.
gnomAD v4.1: 322 of 1,510,006 alleles (0.021%); highest among the groups gnomAD compares: South Asian, 0.38%; 5 homozygotes.

Submissions (6):

Labcorp Genetics (formerly Invitae), Labcorp
Classification: Likely benign for Dilated cardiomyopathy 1DD. Last evaluated: 2026-01-19. Review status: criteria provided, single submitter. Criteria: Invitae Variant Classification Sherloc (09022015). Collection method: clinical testing. Allele origin: germline.

GeneDx
Classification: Likely benign. Last evaluated: 2020-12-04. Review status: criteria provided, single submitter. Criteria: GeneDx Variant Classification Process June 2021. Collection method: clinical testing. Allele origin: germline. Affected: yes.

Ambry Genetics
Classification: Likely benign for Cardiovascular phenotype. Last evaluated: 2019-06-19. Review status: criteria provided, single submitter. Criteria: Ambry Variant Classification Scheme 2023. Collection method: clinical testing. Allele origin: germline.

Laboratory for Molecular Medicine, Mass General Brigham Personalized Medicine
Classification: Likely benign. Last evaluated: 2017-05-02. Review status: criteria provided, single submitter. Criteria: LMM Criteria. Collection method: clinical testing. Allele origin: germline. Observed: 3 variant alleles.
Comment: p.Pro44Gln in exon 1 of RBM20: This variant is not expected to have clinical sig nificance because it has been identified in 0.3% (62/19820) of South Asian chrom osomes, including 2 homozygotes, by the Genome Aggregation Database (gnomAD; dbSNP rs563500712).

Clinical Genetics, Academic Medical Center
Classification: Benign. Review status: no assertion criteria provided. Collection method: clinical testing. Allele origin: germline. Affected: yes. Study: VKGL Data-share Consensus. Not counted in ClinVar's aggregate classification.

Joint Genome Diagnostic Labs from Nijmegen and Maastricht, Radboudumc and MUMC+
Classification: Likely benign. Review status: no assertion criteria provided. Collection method: clinical testing. Allele origin: germline. Affected: yes. Study: VKGL Data-share Consensus. Not counted in ClinVar's aggregate classification.